The following is an entry in ClinVar:

ClinVar aggregate classification (germline): Likely pathogenic. Review status: reviewed by expert panel (3 of 4 stars). 8 submissions from 8 submitters: Likely pathogenic (1). 7 of the submissions do not count toward it. Last evaluated 2024-12-06.

Conditions:
IDUA-related disorder. Also called: IDUA-related condition.
Mucopolysaccharidosis type 1. Also called: IDUA deficiency; MPS I; Mucopolysaccharidosis Type I. Identifiers: Orphanet 579, MedGen C0023786, MONDO:0001586.
Hurler syndrome. Also called: MUCOPOLYSACCHARIDOSIS TYPE IH; Gargoylism, Hurler Syndrome; Severe MPS I (Hurler Syndrome). Identifiers: Orphanet 93473, MedGen C0086795, MONDO:0011758, OMIM 607014.

Allele frequency attached by ClinVar (database versions not stated): gnomAD 0.00003.
gnomAD v4.1: 13 of 1,511,094 alleles (0.00086%); highest among the groups gnomAD compares: South Asian, 0.0012%; no homozygotes.

Submissions (8):

ClinGen Lysosomal Storage Disorder Variant Curation Expert Panel
Classification: Likely pathogenic for Mucopolysaccharidosis type 1. Last evaluated: 2024-12-06. Review status: reviewed by expert panel. Criteria: ClinGen LSD ACMG Specifications IDUA V1.0.0. Collection method: curation. Allele origin: germline. Inheritance: Autosomal recessive inheritance.
Comment: The NM_000203.5:c.1487C>T variant in IDUA is a missense variant predicted to cause substitution of proline by leucine at amino acid 496, p.(Pro496Leu). This variant has been reported to account for 0.65% of disease-causing alleles in individuals with MPS I (PMIDs: 28752568, 7550232, 18463126). At least two probands have been reported to be compound heterozygous, phase not confirmed, for the variant and another variant in IDUA that has been classified as pathogenic by the ClinGen LD VCEP, c.1205G>A (p.Trp402Ter) (PMID:18463126, 28752568). Another patient has been reported who is compound heterozygous for the variant and c.223G>A (p.Ala75Thr) (PMID: 7550232). The allelic data for this patient will be used in the classification of p.Ala75Thr and is not included here to avoid circular logic (PM3 applied; insufficient evidence to apply PP4). The highest population minor allele frequency in gnomAD v4.1.0. is 0.000012 (1/80558 alleles) in the South Asian population, which is lower than the ClinGen Lysosomal Diseases VCEP’s threshold for PM2_Supporting (<0.00025), meeting this criterion (PM2_Supporting). When the variant was expressed in Cos-1 cells, IDUA activity was absent (PMID: 7550232) (PS3_Supporting). Computational predictor tools (REVEL score 0.647) suggest that this variant may be deleterious to IDUA function (PP3). In addition, a different missense variant, c.1487C>G (p.Pro496Arg) [ClinVar Variation ID 496861] in the same codon has been classified as likely pathogenic for MPS I by the ClinGen LD VCEP (PM5_Supporting). There is a ClinVar entry for this variant (Variation ID: 551675). In summary, this variant meets the criteria to be classified as likely pathogenic for MPS I based on the ACMG/AMP criteria applied, as specified by the ClinGen Lysosomal Diseases Variant Curation Expert Panel (Specifications Version 1.0.0): PS3_Supporting, PM2_Supporting, PM3, PM5_Supporting, PP3. (Classification approved by the ClinGen Lysosomal Diseases Variant Curation Expert Panel on December 6, 2024)

Myriad Genetics, Inc.
Classification: Likely pathogenic for Mucopolysaccharidosis type 1. Last evaluated: 2025-10-24. Review status: criteria provided, single submitter. Criteria: Myriad Autosomal Dominant, Autosomal Recessive and X-Linked Classification Criteria (2023). Collection method: clinical testing. Allele origin: unknown. Not counted in ClinVar's aggregate classification.
Comment: NM_000203.3(IDUA):c.1487C>T(P496L) is a missense variant classified as likely pathogenic in the context of mucopolysaccharidosis type I. P496L has been observed in cases with relevant disease (PMID: 7550232, 11735025, 16188808, 18463126). Relevant functional assessments of this variant are available in the literature (PMID: 7550232). P496L has not been observed in referenced population frequency databases. In summary, NM_000203.3(IDUA):c.1487C>T(P496L) is a missense variant that has functional support for pathogenicity and has been observed more frequently in cases with the relevant disease than in healthy populations. Please note: this variant was assessed in the context of healthy population screening.

PreventionGenetics, part of Exact Sciences
Classification: Likely pathogenic for IDUA-related condition. Last evaluated: 2024-12-20. Review status: criteria provided, single submitter. Criteria: ACMG Guidelines, 2015. Collection method: clinical testing. Allele origin: germline. Not counted in ClinVar's aggregate classification.
Comment: The IDUA c.1487C>T variant is predicted to result in the amino acid substitution p.Pro496Leu. This variant has been reported along with a second IDUA variant in at least two individuals with mucopolysaccharidosis, Hurler/Scheie syndrome (MPS IH/S) (Tieu et al. 1995. PubMed ID: 7550232; Beesley et al. 2001. PubMed ID: 11735025). It has also been reported de novo in an individual with a development disorder; however, the association of the variant with disease was uncertain (Table S1, Kaplanis et al. 2020. PubMed ID: 33057194). A functional study using COS-1 cells showed decreased alpha-L-iduronidase activity (Tieu et al. 1995. PubMed ID: 7550232). This variant is reported in 0.0065% of alleles in individuals of European (non-Finnish) descent in gnomAD. An alternate nucleotide change affecting the same amino acid (c.1487C>G; p.Pro496Arg) has been reported in several individuals with MPS (Bertola et al. 2011. PubMed ID: 21394825). This variant is interpreted as likely pathogenic.

Natera, Inc.
Classification: Pathogenic for Mucopolysaccharidosis type I. Last evaluated: 2024-09-26. Review status: criteria provided, single submitter. Criteria: Natera Variant Classification Schema (03/2026). Collection method: clinical testing. Allele origin: germline. Not counted in ClinVar's aggregate classification.
Comment: The c.1487C>T variant in IDUA is a missense variant predicted to cause substitution of proline to leucine at amino acid 496. This variant is rare in the general population with a frequency below the threshold expected for the associated phenotype(s). This variant has been observed in one or more individuals affected with the associated recessive disease, as either homozygous or compound heterozygous with a second variant (PMID: 28752568, 7550232). Functional studies show that this variant may disrupt protein function (PMID: 7550232). A different variant at the same position has been determined to be Pathogenic or Likely Pathogenic. Computational prediction algorithms indicate this variant is likely to affect gene or protein function. Given the available evidence, this variant is classified as Pathogenic.

Labcorp Genetics (formerly Invitae), Labcorp
Classification: Pathogenic for Mucopolysaccharidosis type 1. Last evaluated: 2024-08-31. Review status: criteria provided, single submitter. Criteria: Invitae Variant Classification Sherloc (09022015). Collection method: clinical testing. Allele origin: germline. Not counted in ClinVar's aggregate classification.
Comment: This sequence change replaces proline, which is neutral and non-polar, with leucine, which is neutral and non-polar, at codon 496 of the IDUA protein (p.Pro496Leu). This variant is present in population databases (no rsID available, gnomAD 0.007%). This missense change has been observed in individuals with mucopolysaccharidosis type I (PMID: 7550232, 11735025). ClinVar contains an entry for this variant (Variation ID: 551675). Invitae Evidence Modeling of protein sequence and biophysical properties (such as structural, functional, and spatial information, amino acid conservation, physicochemical variation, residue mobility, and thermodynamic stability) indicates that this missense variant is expected to disrupt IDUA protein function with a positive predictive value of 95%. Experimental studies have shown that this missense change affects IDUA function (PMID: 7550232). This variant disrupts the p.Pro496 amino acid residue in IDUA. Other variant(s) that disrupt this residue have been determined to be pathogenic (PMID: 11735025, 21394825, 27520059). This suggests that this residue is clinically significant, and that variants that disrupt this residue are likely to be disease-causing. For these reasons, this variant has been classified as Pathogenic.

Revvity Omics, Revvity
Classification: Likely pathogenic. Last evaluated: 2023-12-14. Review status: criteria provided, single submitter. Criteria: ACMG Guidelines, 2015. Collection method: clinical testing. Allele origin: germline. Not counted in ClinVar's aggregate classification.

GeneDx
Classification: Uncertain significance. Last evaluated: 2019-05-09. Review status: criteria provided, single submitter. Criteria: GeneDx Variant Classification Process June 2021. Collection method: clinical testing. Allele origin: germline. Affected: yes. Not counted in ClinVar's aggregate classification.
Comment: Not observed at a significant frequency in large population cohorts (Lek et al., 2016); In silico analysis, which includes protein predictors and evolutionary conservation, supports a deleterious effect; This variant is associated with the following publications: (PMID: 7550232)

Counsyl
Classification: Likely pathogenic for Hurler syndrome. Last evaluated: 2017-05-01. Review status: no assertion criteria provided. Collection method: clinical testing. Allele origin: unknown. Not counted in ClinVar's aggregate classification.

Literature cited by the submitters: PubMed 11735025 (cited by 3 submitters); PubMed 16188808 (cited by Myriad Genetics, Inc. and Counsyl); PubMed 18463126 (cited by Myriad Genetics, Inc. and Counsyl); PubMed 7550232 (cited by 4 submitters); PubMed 28752568 (cited by Natera, Inc.); PubMed 21394825 (cited by Labcorp Genetics (formerly Invitae), Labcorp); PubMed 27520059 (cited by Labcorp Genetics (formerly Invitae), Labcorp).

NM_000203.5(IDUA):c.1487C>T (p.Pro496Leu)

Gene: IDUA (alpha-L-iduronidase; plus strand). Cytogenetic location: 4p16.3.
Variant type: single nucleotide variant.
Coding change: c.1487C>T on transcript NM_000203.5 (MANE Select); coding-DNA position 1487, C replaced by T.
Protein change: p.Pro496Leu; replaces proline 496 with leucine.
Molecular consequence: missense variant. On other transcripts: non-coding transcript variant (1).
Genome position (GRCh38, 1-based): chr4:1,003,120, C>T. VCF-style: chr4-1003120-C-T. GRCh37 (hg19) VCF-style: chr4-996908-C-T.
Other names: NM_000203.5(IDUA):c.1487C>T; p.Pro496Leu; c.1091C>T, p.Pro364Leu (NM_001363576.1); c.1487C>T (NM_000203.4); short protein forms P496L, P364L.
Identifiers: ClinVar variation 551675 (VCV000551675.15), dbSNP rs772416503, ClinGen allele CA91170412.